The following is an entry in ClinVar:

ClinVar aggregate classification (germline): Likely benign (0 of 4 stars; one submission).

Conditions:
NCOR1-related disorder. Also called: NCOR1-related condition.

Allele frequency attached by ClinVar (database versions not stated): 1000 Genomes Project 0.00160; 1000 Genomes Project 30x 0.00172; ESP Exome Variant Server 0.00392.
gnomAD v4.1: 8,885 of 1,613,920 alleles (0.55%); highest among the groups gnomAD compares: Non-Finnish European, 0.64%; 38 homozygotes.

Submission:

PreventionGenetics, part of Exact Sciences
Classification: Likely benign for NCOR1-related condition. Last evaluated: 2019-02-21. Review status: no assertion criteria provided. Collection method: clinical testing. Allele origin: germline.
Comment: This variant is classified as likely benign based on ACMG/AMP sequence variant interpretation guidelines (Richards et al. 2015 PMID: 25741868, with internal and published modifications).

NM_006311.4(NCOR1):c.3436C>A (p.Arg1146=)

Gene: NCOR1 (nuclear receptor corepressor 1; minus strand). Cytogenetic location: 17p12.
Variant type: single nucleotide variant.
Coding change: c.3436C>A on transcript NM_006311.4 (MANE Select); coding-DNA position 3436, C replaced by A.
Protein change: p.Arg1146=; no amino-acid change (arginine 1146 retained).
Molecular consequence: synonymous variant.
Genome position (GRCh38, 1-based): chr17:16,080,029, G>T on the plus strand (C>A on the coding strand, the complement: NCOR1 is on the minus strand). VCF-style: chr17-16080029-G-T. GRCh37 (hg19) VCF-style: chr17-15983343-G-T.
Other names: c.3484C>A, p.Arg1162= (NM_001190440.2).
Identifiers: ClinVar variation 3056547 (VCV003056547.2), dbSNP rs61753151, ClinGen allele CA8408730.
Genomic context (GRCh38, chr17:16,080,029, plus strand): 5'-TGATAGAGCCCCGTAGGGATGGAATGCTCTCCACTGAAATTTTGCTGGTTGGAGTTCCCC[G>T]AGTTATACTTCCTTCTTGTATGGCTCCTGCGGTACCTGAATACAAACAAAGCTATTAGCA-3'
Protein context (NP_006302.2, residues 1136-1156): AGAIQEGSIT[Arg1146=]GTPTSKISVE